The following is an entry in ClinVar:

NM_138477.4(CDAN1):c.289C>A (p.Arg97Ser)

Genes: CDAN1 (codanin 1; minus strand), LOC130056931 (ATAC-STARR-seq lymphoblastoid silent region 6376; plus strand). Cytogenetic location: 15q15.2.
Variant type: single nucleotide variant.
Coding change: c.289C>A on transcript NM_138477.4 (MANE Select); coding-DNA position 289, C replaced by A.
Protein change: p.Arg97Ser; replaces arginine 97 with serine.
Molecular consequence: missense variant.
Genome position (GRCh38, 1-based): chr15:42,736,582, G>T on the plus strand (C>A on the coding strand, the complement: CDAN1 is on the minus strand). VCF-style: chr15-42736582-G-T. GRCh37 (hg19) VCF-style: chr15-43028780-G-T.
Other names: short protein forms R97S.
Identifiers: ClinVar variation 2635130 (VCV002635130.1), dbSNP rs1286444553, ClinGen allele CA392060187.

ClinVar aggregate classification (germline): Uncertain significance (1 of 4 stars; one submission).

Conditions:
CDAN1-related disorder. Also called: CDAN1-related condition.

Allele frequency attached by ClinVar (database versions not stated): TOPMed below 0.00001.

Submission:

PreventionGenetics, part of Exact Sciences
Classification: Uncertain significance for CDAN1-related condition. Last evaluated: 2022-11-26. Review status: criteria provided, single submitter. Criteria: ACMG Guidelines, 2015. Collection method: clinical testing. Allele origin: germline.
Comment: The CDAN1 c.289C>A variant is predicted to result in the amino acid substitution p.Arg97Ser. To our knowledge, this variant has not been reported in the literature or in a large population database, indicating this variant is rare. At this time, the clinical significance of this variant is uncertain due to the absence of conclusive functional and genetic evidence.